The following is an entry in ClinVar:

NM_005477.3(HCN4):c.55G>C (p.Val19Leu)

Gene: HCN4 (hyperpolarization activated cyclic nucleotide gated potassium channel 4; minus strand). Cytogenetic location: 15q24.1.
Variant type: single nucleotide variant.
Coding change: c.55G>C on transcript NM_005477.3 (MANE Select); coding-DNA position 55, G replaced by C.
Protein change: p.Val19Leu; replaces valine 19 with leucine.
Molecular consequence: missense variant.
Genome position (GRCh38, 1-based): chr15:73,368,216, C>G on the plus strand (G>C on the coding strand, the complement: HCN4 is on the minus strand). VCF-style: chr15-73368216-C-G. GRCh37 (hg19) VCF-style: chr15-73660557-C-G.
Other names: short protein forms V19L.
Identifiers: ClinVar variation 2732548 (VCV002732548.3), dbSNP rs915677456, ClinGen allele CA272700678.

ClinVar aggregate classification (germline): Uncertain significance (1 of 4 stars; one submission).

Conditions:
Brugada syndrome 8 (BRGDA8). Identifiers: Orphanet 130, MedGen C2751083, MONDO:0013148, OMIM 613123.

Allele frequency attached by ClinVar (database versions not stated): gnomAD exomes below 0.00001.

Submission:

Labcorp Genetics (formerly Invitae), Labcorp
Classification: Uncertain significance for Brugada syndrome 8. Last evaluated: 2023-04-07. Review status: criteria provided, single submitter. Criteria: Invitae Variant Classification Sherloc (09022015). Collection method: clinical testing. Allele origin: germline.
Comment: In summary, the available evidence is currently insufficient to determine the role of this variant in disease. Therefore, it has been classified as a Variant of Uncertain Significance. Advanced modeling of protein sequence and biophysical properties (such as structural, functional, and spatial information, amino acid conservation, physicochemical variation, residue mobility, and thermodynamic stability) performed at Invitae indicates that this missense variant is not expected to disrupt HCN4 protein function. This variant has not been reported in the literature in individuals affected with HCN4-related conditions. This variant is not present in population databases (gnomAD no frequency). This sequence change replaces valine, which is neutral and non-polar, with leucine, which is neutral and non-polar, at codon 19 of the HCN4 protein (p.Val19Leu).